The following is an entry in ClinVar:

ClinVar aggregate classification (germline): Conflicting classifications of pathogenicity. Review status: criteria provided, conflicting classifications (1 of 4 stars). 2 submissions from 2 submitters: Uncertain significance (1); Likely benign (1). Last evaluated 2025-09-14.

Conditions:
Hereditary cancer-predisposing syndrome. Also called: Neoplastic Syndromes, Hereditary; Tumor predisposition; Hereditary Cancer Syndrome; Hereditary neoplastic syndrome. Identifiers: Orphanet 140162, MedGen C0027672, MeSH D009386, MONDO:0015356.
Hereditary breast ovarian cancer syndrome. Also called: Hereditary breast and ovarian cancer; Hereditary breast and ovarian cancer syndrome (HBOC); Hereditary breast and ovarian cancer syndrome; BRCA1- and BRCA2-Associated Hereditary Breast and Ovarian Cancer; Hereditary breast and/or ovarian cancer syndrome; Breast and ovarian cancer. Identifiers: Orphanet 145, MedGen C0677776, MeSH D061325, MONDO:0003582. Disease mechanism: loss of function.

Submissions (2):

Labcorp Genetics (formerly Invitae), Labcorp
Classification: Uncertain significance for Hereditary breast ovarian cancer syndrome. Last evaluated: 2025-09-14. Review status: criteria provided, single submitter. Criteria: Invitae Variant Classification Sherloc (09022015). Collection method: clinical testing. Allele origin: germline.
Comment: This sequence change replaces leucine, which is neutral and non-polar, with valine, which is neutral and non-polar, at codon 2696 of the BRCA2 protein (p.Leu2696Val). This variant is not present in population databases (gnomAD no frequency). This variant has not been reported in the literature in individuals affected with BRCA2-related conditions. ClinVar contains an entry for this variant (Variation ID: 1026237). Invitae Evidence Modeling of protein sequence and biophysical properties (such as structural, functional, and spatial information, amino acid conservation, physicochemical variation, residue mobility, and thermodynamic stability) indicates that this missense variant is not expected to disrupt BRCA2 protein function with a negative predictive value of 95%. In summary, the available evidence is currently insufficient to determine the role of this variant in disease. Therefore, it has been classified as a Variant of Uncertain Significance.

Ambry Genetics
Classification: Likely benign for Hereditary cancer-predisposing syndrome. Last evaluated: 2025-05-09. Review status: criteria provided, single submitter. Criteria: Ambry Variant Classification Scheme 2023. Collection method: clinical testing. Allele origin: germline.

NM_000059.4(BRCA2):c.8086T>G (p.Leu2696Val)

Gene: BRCA2 (BRCA2 DNA repair associated; plus strand). Cytogenetic location: 13q13.1.
Variant type: single nucleotide variant.
Coding change: c.8086T>G on transcript NM_000059.4 (MANE Select); coding-DNA position 8086, T replaced by G.
Protein change: p.Leu2696Val; replaces leucine 2696 with valine.
Molecular consequence: missense variant.
Genome position (GRCh38, 1-based): chr13:32,363,288, T>G. VCF-style: chr13-32363288-T-G. GRCh37 (hg19) VCF-style: chr13-32937425-T-G.
Other names: short protein forms L2696V.
Identifiers: ClinVar variation 1026237 (VCV001026237.12), dbSNP rs767912817, ClinGen allele CA387749247.